The following is an entry in ClinVar:

ClinVar aggregate classification (germline): Uncertain significance (1 of 4 stars; one submission).

gnomAD v4.1: 1 of 1,613,698 alleles (0.000062%); highest among the groups gnomAD compares: Non-Finnish European, 0.000085%; no homozygotes.

Submission:

Labcorp Genetics (formerly Invitae), Labcorp
Classification: Uncertain significance. Last evaluated: 2024-11-11. Review status: criteria provided, single submitter. Criteria: Invitae Variant Classification Sherloc (09022015). Collection method: clinical testing. Allele origin: germline.
Comment: This sequence change replaces alanine, which is neutral and non-polar, with valine, which is neutral and non-polar, at codon 1285 of the SRCAP protein (p.Ala1285Val). This variant is not present in population databases (gnomAD no frequency). This variant has not been reported in the literature in individuals affected with SRCAP-related conditions. Experimental studies and prediction algorithms are not available or were not evaluated, and the functional significance of this variant is currently unknown. In summary, the available evidence is currently insufficient to determine the role of this variant in disease. Therefore, it has been classified as a Variant of Uncertain Significance.

NM_006662.3(SRCAP):c.3854C>T (p.Ala1285Val)

Gene: SRCAP (Snf2 related CREBBP activator protein; plus strand). Cytogenetic location: 16p11.2.
Variant type: single nucleotide variant.
Coding change: c.3854C>T on transcript NM_006662.3 (MANE Select); coding-DNA position 3854, C replaced by T.
Protein change: p.Ala1285Val; replaces alanine 1285 with valine.
Molecular consequence: missense variant.
Genome position (GRCh38, 1-based): chr16:30,722,710, C>T. VCF-style: chr16-30722710-C-T. GRCh37 (hg19) VCF-style: chr16-30734031-C-T.
Other names: short protein forms A1285V.
Identifiers: ClinVar variation 3716927 (VCV003716927.2).